The following is an entry in ClinVar:

ClinVar aggregate classification (germline): Pathogenic (1 of 4 stars; one submission).

Submission:

Labcorp Genetics (formerly Invitae), Labcorp
Classification: Pathogenic. Last evaluated: 2023-12-25. Review status: criteria provided, single submitter. Criteria: Invitae Variant Classification Sherloc (09022015). Collection method: clinical testing. Allele origin: unknown.
Comment: This variant is a gross deletion of the genomic region encompassing exon(s) 6-15 of the ERCC2 gene. This variant would be expected to be in-frame, preserving the integrity of the reading frame. This variant has not been reported in the literature in individuals affected with ERCC2-related conditions. This variant disrupts a region of the ERCC2 protein in which other variant(s) (p.Cys259Tyr) have been determined to be pathogenic (PMID: 9758621, 23382212). This suggests that this is a clinically significant region of the protein, and that variants that disrupt it are likely to be disease-causing. For these reasons, this variant has been classified as Pathogenic.

Literature cited by the submitters: PubMed 9758621; PubMed 23382212.

NC_000019.9:g.(?_45860508)_(45868436_?)del

Gene: ERCC2 (ERCC excision repair 2, TFIIH core complex helicase subunit; minus strand). Cytogenetic location: 19q13.32.
Variant type: Deletion.
Identifiers: ClinVar variation 3242644 (VCV003242644.1).